The following is an entry in ClinVar:

NM_001429.4(EP300):c.1585T>C (p.Ser529Pro)

Gene: EP300 (EP300 lysine acetyltransferase; plus strand). Cytogenetic location: 22q13.2.
Variant type: single nucleotide variant.
Coding change: c.1585T>C on transcript NM_001429.4 (MANE Select); coding-DNA position 1585, T replaced by C.
Protein change: p.Ser529Pro; replaces serine 529 with proline.
Molecular consequence: missense variant.
Genome position (GRCh38, 1-based): chr22:41,135,869, T>C. VCF-style: chr22-41135869-T-C. GRCh37 (hg19) VCF-style: chr22-41531873-T-C.
Other names: c.1585T>C (NM_001429.3); c.1585T>C, p.Ser529Pro (NM_001362843.2); short protein forms S529P.
Identifiers: ClinVar variation 2998275 (VCV002998275.5), dbSNP rs538308049, ClinGen allele CA10252555.

ClinVar aggregate classification (germline): Likely benign. Review status: criteria provided, multiple submitters, no conflicts (2 of 4 stars). 3 submissions from 3 submitters: Likely benign (2). 1 of the submissions does not count toward it. Last evaluated 2025-04-08.

Conditions:
Rubinstein-Taybi syndrome due to EP300 haploinsufficiency. Also called: EP300-Related Rubinstein-Taybi Syndrome; RUBINSTEIN-TAYBI SYNDROME 2. Identifiers: Orphanet 353284, Orphanet 783, MedGen C3150941, MONDO:0013364, OMIM 613684.
EP300-related disorder. Also called: EP300-related condition; EP300-related disorders.
Inborn genetic diseases. Identifiers: MedGen C0950123, MeSH D030342.

Allele frequency attached by ClinVar (database versions not stated): ExAC 0.00001; gnomAD exomes 0.00001; TOPMed 0.00005; gnomAD 0.00006; 1000 Genomes Project 0.00020; 1000 Genomes Project 30x 0.00031.
gnomAD v4.1: 13 of 1,614,162 alleles (0.00081%); highest among the groups gnomAD compares: African/African-American, 0.015%; no homozygotes.

Submissions (3):

Labcorp Genetics (formerly Invitae), Labcorp
Classification: Likely benign for Rubinstein-Taybi syndrome due to EP300 haploinsufficiency. Last evaluated: 2025-04-08. Review status: criteria provided, single submitter. Criteria: Invitae Variant Classification Sherloc (09022015). Collection method: clinical testing. Allele origin: germline.

Ambry Genetics
Classification: Likely benign for Inborn genetic diseases. Last evaluated: 2025-02-24. Review status: criteria provided, single submitter. Criteria: Ambry Variant Classification Scheme 2023. Collection method: clinical testing. Allele origin: germline.

PreventionGenetics, part of Exact Sciences
Classification: Likely benign for EP300-related condition. Last evaluated: 2024-06-03. Review status: no assertion criteria provided. Collection method: clinical testing. Allele origin: germline. Not counted in ClinVar's aggregate classification.
Comment: This variant is classified as likely benign based on ACMG/AMP sequence variant interpretation guidelines (Richards et al. 2015 PMID: 25741868, with internal and published modifications).